The following is an entry in ClinVar:

ClinVar aggregate classification (germline): Benign (1 of 4 stars; one submission).

gnomAD v4.1: 610 of 398,596 alleles (0.15%); highest among the groups gnomAD compares: African/African-American, 1.1%; 3 homozygotes.

Submission:

CeGaT Center for Human Genetics Tuebingen
Classification: Benign. Last evaluated: 2026-09-01. Review status: criteria provided, single submitter. Criteria: CeGaT Center For Human Genetics Tuebingen Variant Classification Criteria Version 2. Collection method: clinical testing. Allele origin: germline. Affected: yes. Observed: 3 variant alleles.
Comment: KCNQ1OT1: BS1, BS2

NM_000218.3(KCNQ1):c.1393+29460A>C

Genes: KCNQ1 (potassium voltage-gated channel subfamily Q member 1; plus strand), KCNQ1OT1 (KCNQ1 opposite strand/antisense transcript 1; minus strand). Cytogenetic location: 11p15.5.
Variant type: single nucleotide variant.
Coding change: c.1393+29460A>C on transcript NM_000218.3 (MANE Select); 29460 bases into the intron after coding-DNA position 1393, A replaced by C.
Molecular consequence: intron variant. On other transcripts: non-coding transcript variant (1).
Genome position (GRCh38, 1-based): chr11:2,618,314, A>C. VCF-style: chr11-2618314-A-C. GRCh37 (hg19) VCF-style: chr11-2639544-A-C.
Other names: c.1123+29460A>C (NM_001406837.1); c.1297+29460A>C (NM_001406836.1); c.853+29460A>C (NM_001406838.1); c.1012+29460A>C (NM_181798.2).
Identifiers: ClinVar variation 4534592 (VCV004534592.6).